The following is an entry in ClinVar:

NM_001244944.2(STEAP2):c.661A>G (p.Ser221Gly)

Gene: STEAP2 (STEAP2 metalloreductase; plus strand). Cytogenetic location: 7q21.13.
Variant type: single nucleotide variant.
Coding change: c.661A>G on transcript NM_001244944.2 (MANE Select); coding-DNA position 661, A replaced by G.
Protein change: p.Ser221Gly; replaces serine 221 with glycine.
Molecular consequence: missense variant.
Genome position (GRCh38, 1-based): chr7:90,227,139, A>G. VCF-style: chr7-90227139-A-G. GRCh37 (hg19) VCF-style: chr7-89856453-A-G.
Other names: c.661A>G, p.Ser221Gly (NM_001040665.2, NM_001040666.2, NM_001244945.2 and 2 more transcripts); short protein forms S221G.
Identifiers: ClinVar variation 3041808 (VCV003041808.2), dbSNP rs138763223, ClinGen allele CA4332930.
Genomic context (GRCh38, chr7:90,227,139, plus strand): 5'-ATTGAAAATTTACCCCTACGACTCTTTACTCTCTGGAGAGGGCCAGTGGTGGTAGCTATA[A>G]GCTTGGCCACATTTTTTTTCCTTTATTCCTTTGTCAGAGATGTGATTCATCCATATGCTA-3'
Protein context (NP_001231873.1, residues 211-231): LWRGPVVVAI[Ser221Gly]LATFFFLYSF

ClinVar aggregate classification (germline): Likely benign (0 of 4 stars; one submission).

Conditions:
STEAP2-related disorder. Also called: STEAP2-related condition.

Allele frequency attached by ClinVar (database versions not stated): gnomAD exomes 0.00005; ExAC 0.00025; 1000 Genomes Project 30x 0.00031; ESP Exome Variant Server 0.00031; 1000 Genomes Project 0.00040; gnomAD 0.00040; TOPMed 0.00049.
gnomAD v4.1: 176 of 1,613,758 alleles (0.011%); highest among the groups gnomAD compares: East Asian, 0.15%; 2 homozygotes.

Submission:

PreventionGenetics, part of Exact Sciences
Classification: Likely benign for STEAP2-related condition. Last evaluated: 2022-08-17. Review status: no assertion criteria provided. Collection method: clinical testing. Allele origin: germline.
Comment: This variant is classified as likely benign based on ACMG/AMP sequence variant interpretation guidelines (Richards et al. 2015 PMID: 25741868, with internal and published modifications).